The following is an entry in ClinVar:

ClinVar aggregate classification (germline): Conflicting classifications of pathogenicity. Review status: criteria provided, conflicting classifications (1 of 4 stars). 5 submissions from 5 submitters: Likely pathogenic (3); Uncertain significance (2). Last evaluated 2026-01-24.

Conditions:
Autosomal recessive nonsyndromic hearing loss 77. Identifiers: Orphanet 90636, MedGen C2746083, MONDO:0013119, OMIM 613079.
Nonsyndromic genetic hearing loss. Also called: Nonsyndromic hearing loss and deafness; Non-syndromic genetic deafness; Nonsyndromic genetic deafness. Identifiers: Orphanet 87884, MedGen C5680182, MONDO:0019497.

Allele frequency attached by ClinVar (database versions not stated): ExAC below 0.00001; TOPMed 0.00008; 1000 Genomes Project 30x 0.00047; 1000 Genomes Project 0.00060.
gnomAD v4.1: 93 of 1,552,240 alleles (0.006%); highest among the groups gnomAD compares: East Asian, 0.21%; no homozygotes.

Submissions (5):

Labcorp Genetics (formerly Invitae), Labcorp
Classification: Likely pathogenic. Last evaluated: 2026-01-24. Review status: criteria provided, single submitter. Criteria: Invitae Variant Classification Sherloc (09022015). Collection method: clinical testing. Allele origin: germline.
Comment: This sequence change replaces aspartic acid, which is acidic and polar, with glycine, which is neutral and non-polar, at codon 1094 of the LOXHD1 protein (p.Asp1094Gly). This variant is present in population databases (rs543098936, gnomAD 0.08%). This missense change has been observed in individual(s) with deafness (PMID: 27984600, 31547530, 33753533, 34599366). In at least one individual the data is consistent with being in trans (on the opposite chromosome) from a pathogenic variant. ClinVar contains an entry for this variant (Variation ID: 891722). An algorithm developed to predict the effect of missense changes on protein structure and function (PolyPhen-2) suggests that this variant is likely to be disruptive. In summary, the currently available evidence indicates that the variant is pathogenic, but additional data are needed to prove that conclusively. Therefore, this variant has been classified as Likely Pathogenic.

Natera, Inc.
Classification: Likely pathogenic for Autosomal recessive deafness type 77. Last evaluated: 2025-10-13. Review status: criteria provided, single submitter. Criteria: Natera Variant Classification Schema (03/2026). Collection method: clinical testing. Allele origin: germline.
Comment: The c.3281A>G variant in LOXHD1 is a missense variant predicted to cause substitution of aspartic acid to glycine at amino acid 1094. This variant is rare in the general population with a frequency below the threshold expected for the associated phenotype(s). This variant has been observed in one or more individuals affected with the associated recessive disease, as either homozygous or compound heterozygous with a second variant (PMID: 31547530). Computational prediction algorithms indicate this variant is likely to affect gene or protein function. Given the available evidence, this variant is classified as Likely Pathogenic.

Women's Health and Genetics/Laboratory Corporation of America, LabCorp
Classification: Likely pathogenic for Nonsyndromic genetic hearing loss. Last evaluated: 2025-07-23. Review status: criteria provided, single submitter. Criteria: LabCorp Variant Classification Summary - May 2015. Collection method: clinical testing. Allele origin: germline.
Comment: Variant summary: LOXHD1 c.3281A>G (p.Asp1094Gly) results in a non-conservative amino acid change in the encoded protein sequence. Algorithms developed to predict the effect of missense changes on protein structure and function are either unavailable or do not agree on the potential impact of this missense change. The variant allele was found at a frequency of 5.6e-05 in 160392 control chromosomes. c.3281A>G has been observed in individuals affected with Nonsyndromic Hearing Loss And Deafness, Type 77 (e.g., Kim_2022, Ma_2023, Maekawa_2019, Usami_2022, Zhou_2016). These data indicate that the variant is likely to be associated with disease. To our knowledge, no experimental evidence demonstrating an impact on protein function has been reported. The following publications have been ascertained in the context of this evaluation (PMID: 34593925, 36597107, 31547530, 34599366, 27984600). ClinVar contains an entry for this variant (Variation ID: 891722). Based on the evidence outlined above, the variant was classified as likely pathogenic.

Department of Pathology and Laboratory Medicine, Sinai Health System
Classification: Uncertain significance for Autosomal recessive nonsyndromic hearing loss 77. Last evaluated: 2022-12-29. Review status: criteria provided, single submitter. Criteria: ACMG Guidelines, 2015. Collection method: research. Allele origin: germline.

Illumina Laboratory Services, Illumina
Classification: Uncertain significance for Autosomal recessive nonsyndromic hearing loss 77. Last evaluated: 2018-01-13. Review status: criteria provided, single submitter. Criteria: ICSL Variant Classification Criteria 13 December 2019. Collection method: clinical testing. Allele origin: germline.

Literature cited by the submitters: PubMed 27984600 (cited by Labcorp Genetics (formerly Invitae), Labcorp and Women's Health and Genetics/Laboratory Corporation of America, LabCorp); PubMed 31547530 (cited by 3 submitters); PubMed 33753533 (cited by Labcorp Genetics (formerly Invitae), Labcorp); PubMed 34599366 (cited by Labcorp Genetics (formerly Invitae), Labcorp and Women's Health and Genetics/Laboratory Corporation of America, LabCorp); PubMed 34593925 (cited by Women's Health and Genetics/Laboratory Corporation of America, LabCorp); PubMed 36597107 (cited by Women's Health and Genetics/Laboratory Corporation of America, LabCorp).

NM_001384474.1(LOXHD1):c.3281A>G (p.Asp1094Gly)

Gene: LOXHD1 (lipoxygenase homology PLAT domains 1; minus strand). Cytogenetic location: 18q21.1.
Variant type: single nucleotide variant.
Coding change: c.3281A>G on transcript NM_001384474.1 (MANE Select); coding-DNA position 3281, A replaced by G.
Protein change: p.Asp1094Gly; replaces aspartic acid 1094 with glycine.
Molecular consequence: missense variant. On other transcripts: 5 prime UTR variant (1).
Genome position (GRCh38, 1-based): chr18:46,557,425, T>C on the plus strand (A>G on the coding strand, the complement: LOXHD1 is on the minus strand). VCF-style: chr18-46557425-T-C. GRCh37 (hg19) VCF-style: chr18-44137388-T-C.
Other names: c.-53A>G (NM_001145472.3); c.3281A>G, p.Asp1094Gly (NM_144612.7); short protein forms D1094G.
Identifiers: ClinVar variation 891722 (VCV000891722.13), dbSNP rs543098936, ClinGen allele CA8952518.